The following is an entry in ClinVar:

ClinVar aggregate classification (germline): Pathogenic (1 of 4 stars; one submission).

Submission:

Labcorp Genetics (formerly Invitae), Labcorp
Classification: Pathogenic. Last evaluated: 2022-03-14. Review status: criteria provided, single submitter. Criteria: Invitae Variant Classification Sherloc (09022015). Collection method: clinical testing. Allele origin: germline.
Comment: This variant is a gross deletion of the genomic region encompassing exon(s) 1-5 of the RS1 gene, which includes the initiator codon. This deletion extends beyond the assayed region for this gene and therefore may encompass additional genes. It is expected to result in an absent or disrupted protein product. Loss-of-function variants in RS1 are known to be pathogenic (PMID: 9618178, 17172462). This variant has not been reported in the literature in individuals affected with RS1-related conditions. For these reasons, this variant has been classified as Pathogenic.

Literature cited by the submitters: PubMed 9618178; PubMed 17172462.

NC_000023.10:g.(?_18662530)_(18690188_?)del

Genes: CDKL5 (cyclin dependent kinase like 5; plus strand), RS1 (retinoschisin 1; minus strand). Cytogenetic location: Xp22.13.
Variant type: Deletion.
Identifiers: ClinVar variation 2422904 (VCV002422904.1).